The following is an entry in ClinVar:

ClinVar aggregate classification (germline): Uncertain significance (1 of 4 stars; one submission).

Conditions:
ALG6-congenital disorder of glycosylation 1C (CDG1C). Also called: CDG Ic; Congenital disorder of glycosylation type 1C; Congenital disorder of glycosylation, type Ic; CARBOHYDRATE-DEFICIENT GLYCOPROTEIN SYNDROME, TYPE I, WITH DEFICIENT GLYCOSYLATION OF DOLICHOL-LINKED OLIGOSACCHARIDE; CARBOHYDRATE-DEFICIENT GLYCOPROTEIN SYNDROME, TYPE V. Identifiers: Orphanet 79320, MedGen C2930997, MONDO:0011291, OMIM 603147.

Submission:

Labcorp Genetics (formerly Invitae), Labcorp
Classification: Uncertain significance for ALG6-congenital disorder of glycosylation 1C. Last evaluated: 2022-03-27. Review status: criteria provided, single submitter. Criteria: Invitae Variant Classification Sherloc (09022015). Collection method: clinical testing. Allele origin: germline.
Comment: This sequence change replaces serine, which is neutral and polar, with arginine, which is basic and polar, at codon 60 of the ALG6 protein (p.Ser60Arg). This variant is not present in population databases (gnomAD no frequency). In summary, the available evidence is currently insufficient to determine the role of this variant in disease. Therefore, it has been classified as a Variant of Uncertain Significance. Algorithms developed to predict the effect of missense changes on protein structure and function are either unavailable or do not agree on the potential impact of this missense change (SIFT: "Deleterious"; PolyPhen-2: "Possibly Damaging"; Align-GVGD: "Class C0"). This variant has not been reported in the literature in individuals affected with ALG6-related conditions.

NM_013339.4(ALG6):c.180C>G (p.Ser60Arg)

Gene: ALG6 (ALG6 alpha-1,3-glucosyltransferase; plus strand). Cytogenetic location: 1p31.3.
Variant type: single nucleotide variant.
Coding change: c.180C>G on transcript NM_013339.4 (MANE Select); coding-DNA position 180, C replaced by G.
Protein change: p.Ser60Arg; replaces serine 60 with arginine.
Molecular consequence: missense variant.
Genome position (GRCh38, 1-based): chr1:63,402,266, C>G. VCF-style: chr1-63402266-C-G. GRCh37 (hg19) VCF-style: chr1-63867937-C-G.
Other names: short protein forms S60R.
Identifiers: ClinVar variation 2118512 (VCV002118512.4), dbSNP rs2523723215, ClinGen allele CA340634061.